The following is an entry in ClinVar:

NM_003280.3(TNNC1):c.397A>G (p.Ile133Val)

Gene: TNNC1 (troponin C1, slow skeletal and cardiac type; minus strand). Cytogenetic location: 3p21.1.
Variant type: single nucleotide variant.
Coding change: c.397A>G on transcript NM_003280.3 (MANE Select); coding-DNA position 397, A replaced by G.
Protein change: p.Ile133Val; replaces isoleucine 133 with valine.
Molecular consequence: missense variant.
Genome position (GRCh38, 1-based): chr3:52,451,448, T>C on the plus strand (A>G on the coding strand, the complement: TNNC1 is on the minus strand). VCF-style: chr3-52451448-T-C. GRCh37 (hg19) VCF-style: chr3-52485464-T-C.
Other names: c.397A>G (LRG_378t1); short protein forms I133V.
Identifiers: ClinVar variation 640123 (VCV000640123.5), dbSNP rs922957538, ClinGen allele CA74775259.

ClinVar aggregate classification (germline): Uncertain significance (1 of 4 stars; one submission).

Conditions:
Dilated cardiomyopathy 1Z (CMD1Z). Identifiers: Orphanet 154, MedGen C2678475, MONDO:0012745, OMIM 611879.
Hypertrophic cardiomyopathy 13. Also called: TNNC1-Related Familial Hypertrophic Cardiomyopathy. Identifiers: MedGen C2750472, MONDO:0013195, OMIM 613243.

Allele frequency attached by ClinVar (database versions not stated): gnomAD exomes below 0.00001; gnomAD 0.00001; TOPMed 0.00001.

Submission:

Labcorp Genetics (formerly Invitae), Labcorp
Classification: Uncertain significance for Hypertrophic cardiomyopathy 13; Dilated cardiomyopathy 1Z. Last evaluated: 2025-12-08. Review status: criteria provided, single submitter. Criteria: Invitae Variant Classification Sherloc (09022015). Collection method: clinical testing. Allele origin: germline.
Comment: This sequence change replaces isoleucine, which is neutral and non-polar, with valine, which is neutral and non-polar, at codon 133 of the TNNC1 protein (p.Ile133Val). This variant is present in population databases (no rsID available, gnomAD 0.0009%). This variant has not been reported in the literature in individuals affected with TNNC1-related conditions. ClinVar contains an entry for this variant (Variation ID: 640123). An algorithm developed to predict the effect of missense changes on protein structure and function (PolyPhen-2) suggests that this variant is likely to be tolerated. In summary, the available evidence is currently insufficient to determine the role of this variant in disease. Therefore, it has been classified as a Variant of Uncertain Significance.